The following is an entry in ClinVar:

NM_002103.5(GYS1):c.2064C>A (p.Ile688=)

Gene: GYS1 (glycogen synthase 1; minus strand). Cytogenetic location: 19q13.33.
Variant type: single nucleotide variant.
Coding change: c.2064C>A on transcript NM_002103.5 (MANE Select); coding-DNA position 2064, C replaced by A.
Protein change: p.Ile688=; no amino-acid change (isoleucine 688 retained).
Molecular consequence: synonymous variant. On other transcripts: non-coding transcript variant (1).
Genome position (GRCh38, 1-based): chr19:48,969,438, G>T on the plus strand (C>A on the coding strand, the complement: GYS1 is on the minus strand). VCF-style: chr19-48969438-G-T. GRCh37 (hg19) VCF-style: chr19-49472695-G-T.
Other names: c.1872C>A, p.Ile624= (NM_001161587.2).
Identifiers: ClinVar variation 3047279 (VCV003047279.2), dbSNP rs2513701536, ClinGen allele CA508276991.

ClinVar aggregate classification (germline): Likely benign (0 of 4 stars; one submission).

Conditions:
GYS1-related disorder. Also called: GYS1-related condition.

Submission:

PreventionGenetics, part of Exact Sciences
Classification: Likely benign for GYS1-related condition. Last evaluated: 2019-03-22. Review status: no assertion criteria provided. Collection method: clinical testing. Allele origin: germline.
Comment: This variant is classified as likely benign based on ACMG/AMP sequence variant interpretation guidelines (Richards et al. 2015 PMID: 25741868, with internal and published modifications).